The following is an entry in ClinVar:

NM_000051.4(ATM):c.7630-91A>G

Genes: ATM (ATM serine/threonine kinase; plus strand), C11orf65 (chromosome 11 open reading frame 65; minus strand). Cytogenetic location: 11q22.3.
Variant type: single nucleotide variant.
Coding change: c.7630-91A>G on transcript NM_000051.4 (MANE Select); 91 bases into the intron before coding-DNA position 7630, A replaced by G.
Molecular consequence: intron variant.
Genome position (GRCh38, 1-based): chr11:108,331,788, A>G. VCF-style: chr11-108331788-A-G. GRCh37 (hg19) VCF-style: chr11-108202515-A-G.
Other names: NC_000011.9:g.108202515A>G; c.7630-91A>G (NM_000051.3, NM_001351834.2); c.641-22717T>C (NM_001330368.2); c.*38+3432T>C (NM_001351110.2).
Identifiers: ClinVar variation 4367315 (VCV004367315.2).

ClinVar aggregate classification (germline): Likely pathogenic (1 of 4 stars; one submission).

Conditions:
Hereditary cancer-predisposing syndrome. Also called: Neoplastic Syndromes, Hereditary; Tumor predisposition; Hereditary neoplastic syndrome; Hereditary Cancer Syndrome. Identifiers: Orphanet 140162, MedGen C0027672, MeSH D009386, MONDO:0015356.

Submissions (2):

Ambry Genetics
Classification: Likely pathogenic for Hereditary cancer-predisposing syndrome. Last evaluated: 2026-07-06. Review status: criteria provided, single submitter. Criteria: Ambry Variant Classification Scheme 2023. Collection method: clinical testing. Allele origin: germline.
Comment: The c.7630-91A>G intronic variant results from an A to G substitution 91 nucleotides upstream from coding exon 51 in the ATM gene. This nucleotide position is conserved on limited sequence alignment. In silico splice site analysis predicts that this alteration will result in the creation or strengthening of a novel splice donor site. RNA studies have demonstrated that this variant results in abnormal splicing in the set of samples tested (Ambry internal data). This variant is considered to be rare based on population cohorts in the Genome Aggregation Database (gnomAD). Based on the majority of available evidence to date, this variant is likely to be pathogenic.

Dr. Peter K. Rogan Lab, Western University
No classification provided (evidence only). Condition: Cervical cancer. Review status: no classification provided. Collection method: in vitro. Allele origin: not applicable. Functional consequence: cryptic splice site, retained intron. Not counted in ClinVar's aggregate classification.